The following is an entry in ClinVar:

ClinVar aggregate classification (germline): Uncertain significance (1 of 4 stars; one submission).

Submission:

Greenwood Genetic Center Diagnostic Laboratories, Greenwood Genetic Center
Classification: Uncertain significance. Last evaluated: 2023-05-16. Review status: criteria provided, single submitter. Criteria: ACMG Guidelines, 2015. Collection method: clinical testing. Allele origin: germline. Affected: yes.
Comment: Gene of Uncertain Significance

NM_015694.3(ZNF777):c.2168A>C (p.Lys723Thr)

Gene: ZNF777 (zinc finger protein 777; minus strand). Cytogenetic location: 7q36.1.
Variant type: single nucleotide variant.
Coding change: c.2168A>C on transcript NM_015694.3 (MANE Select); coding-DNA position 2168, A replaced by C.
Protein change: p.Lys723Thr; replaces lysine 723 with threonine.
Molecular consequence: missense variant.
Genome position (GRCh38, 1-based): chr7:149,432,104, T>G on the plus strand (A>C on the coding strand, the complement: ZNF777 is on the minus strand). VCF-style: chr7-149432104-T-G. GRCh37 (hg19) VCF-style: chr7-149129195-T-G.
Other names: short protein forms K723T.
Identifiers: ClinVar variation 2572222 (VCV002572222.1), dbSNP rs1799318408, ClinGen allele CA369730607.